The following is an entry in ClinVar:

ClinVar aggregate classification (germline): Likely benign. Review status: criteria provided, multiple submitters, no conflicts (2 of 4 stars). 2 submissions from 2 submitters: Likely benign (2). Last evaluated 2024-10-16.

Allele frequency attached by ClinVar (database versions not stated): TOPMed below 0.00001; ExAC 0.00001; gnomAD 0.00001.
gnomAD v4.1: 9 of 1,614,074 alleles (0.00056%); highest among the groups gnomAD compares: Non-Finnish European, 0.00076%; no homozygotes.

Submissions (2):

Blueprint Genetics
Classification: Likely benign. Last evaluated: 2024-10-16. Review status: criteria provided, single submitter. Criteria: ACMG Guidelines, 2015. Collection method: clinical testing. Allele origin: germline.

CeGaT Center for Human Genetics Tuebingen
Classification: Likely benign. Last evaluated: 2023-04-01. Review status: criteria provided, single submitter. Criteria: CeGaT Center For Human Genetics Tuebingen Variant Classification Criteria Version 2. Collection method: clinical testing. Allele origin: germline. Affected: yes. Observed: 1 variant allele.
Comment: KDM5A: BP4, BP7

NM_001042603.3(KDM5A):c.3705G>A (p.Lys1235=)

Genes: KDM5A (lysine demethylase 5A; minus strand), LOC126861410 (BRD4-independent group 4 enhancer GRCh37_chr12:415875-417074; plus strand). Cytogenetic location: 12p13.33.
Variant type: single nucleotide variant.
Coding change: c.3705G>A on transcript NM_001042603.3 (MANE Select); coding-DNA position 3705, G replaced by A.
Protein change: p.Lys1235=; no amino-acid change (lysine 1235 retained).
Molecular consequence: synonymous variant.
Genome position (GRCh38, 1-based): chr12:307,679, C>T on the plus strand (G>A on the coding strand, the complement: KDM5A is on the minus strand). VCF-style: chr12-307679-C-T. GRCh37 (hg19) VCF-style: chr12-416845-C-T.
Identifiers: ClinVar variation 2642562 (VCV002642562.25), dbSNP rs759584455, ClinGen allele CA6378752.